The following is an entry in ClinVar:

NM_000277.3(PAH):c.1244A>T (p.Asp415Val)

Gene: PAH (phenylalanine hydroxylase; minus strand). Cytogenetic location: 12q23.2.
Variant type: single nucleotide variant.
Coding change: c.1244A>T on transcript NM_000277.3 (MANE Select); coding-DNA position 1244, A replaced by T.
Protein change: p.Asp415Val; replaces aspartic acid 415 with valine.
Molecular consequence: missense variant.
Genome position (GRCh38, 1-based): chr12:102,840,471, T>A on the plus strand (A>T on the coding strand, the complement: PAH is on the minus strand). VCF-style: chr12-102840471-T-A. GRCh37 (hg19) VCF-style: chr12-103234249-T-A.
Other names: NM_000277.1:c.1244A>T; c.1244A>T, p.Asp415Val (NM_001354304.2); short protein forms D415V.
Identifiers: ClinVar variation 1693245 (VCV001693245.1), dbSNP rs2136632085, ClinGen allele CA16020979.
Genomic context (GRCh38, chr12:102,840,471, plus strand): 5'-TCAGCCAAAATCTTAAGCTGCTGGGTATTGTCCAAGACCTCAATCCTTTGGGTGTATGGG[T>A]CGTAGCGAACTGAGAAGGGCCGAGGTATTGTGGCAGCAAAGTTCCTAAGACCAAAACCAC-3'
Protein context (NP_000268.1, residues 405-425): TIPRPFSVRY[Asp415Val]PYTQRIEVLD

ClinVar aggregate classification (germline): Pathogenic (3 of 4 stars; one submission).

Conditions:
Phenylketonuria (PKU). Also called: Phenylketonurias; FOLLING DISEASE; Phenylketonuria (PKU); OLIGOPHRENIA PHENYLPYRUVICA. Identifiers: Orphanet 716, MedGen C0031485, MONDO:0009861, OMIM 261600. Disease mechanism: loss of function.

Submission:

ClinGen PAH Variant Curation Expert Panel
Classification: Pathogenic for Phenylketonuria. Last evaluated: 2020-11-09. Review status: reviewed by expert panel. Criteria: ClinGen PAH ACMG Specifications v1. Collection method: curation. Allele origin: germline. Inheritance: Autosomal recessive inheritance.
Comment: The c.1244A>T (p.Asp415Val) variant in PAH has been reported in 2 individuals with PKU, detected in trans with pathogenic variants c.1066-11G>A and c.47_48delCT (PMID: 21890392). This variant is absent in population databases. Computational prediction tools and conservation analysis support a deleterious effect. Another missense variant at the same amino acid is interpreted as pathogenic (p.Asp415Asn) In summary, this variant meets criteria to be classified as pathogenic for PAH. PAH-specific ACMG/AMP criteria applied: PM3_strong, PM2, PM5, PP3, PP4.

Literature cited by the submitters: PubMed 21890392.